The following is an entry in ClinVar:

ClinVar aggregate classification (germline): Uncertain significance (1 of 4 stars; one submission).

Conditions:
Hereditary spastic paraplegia 7 (SPG7). Also called: Autosomal recessive spastic paraplegia type 7; SPG7-related neurologic disorder; SPASTIC PARAPLEGIA 7, AUTOSOMAL RECESSIVE, WITH OR WITHOUT CEREBELLAR ATAXIA; Spastic paraplegia 7; Hereditary spastic paraplegia Paraplegin type. Identifiers: Orphanet 99013, MedGen C1846564, MONDO:0011803, OMIM 607259.

Submission:

Labcorp Genetics (formerly Invitae), Labcorp
Classification: Uncertain significance for Hereditary spastic paraplegia 7. Last evaluated: 2023-04-14. Review status: criteria provided, single submitter. Criteria: Invitae Variant Classification Sherloc (09022015). Collection method: clinical testing. Allele origin: germline.
Comment: This variant is a gross deletion of the genomic region encompassing exon(s) 3 of the SPG7 gene. This variant would be expected to be in-frame, preserving the integrity of the reading frame. In summary, the available evidence is currently insufficient to determine the role of this variant in disease. Therefore, it has been classified as a Variant of Uncertain Significance. Experimental studies and prediction algorithms are not available or were not evaluated, and the functional significance of this variant is currently unknown. A similar copy number variant has been observed in individual(s) with clinical features of hereditary spastic paraplegia (Invitae).

NC_000016.9:g.(?_89579336)_(89579465_?)del

Gene: SPG7 (SPG7 matrix AAA peptidase subunit, paraplegin; plus strand). Cytogenetic location: 16q24.3.
Variant type: Deletion.
Identifiers: ClinVar variation 1432523 (VCV001432523.5).